The following is an entry in ClinVar:

ClinVar aggregate classification (germline): Pathogenic. Review status: criteria provided, single submitter (1 of 4 stars). 2 submissions from 1 submitter: Pathogenic (1). 1 of the submissions does not count toward it. Last evaluated 2022-08-21.

Conditions:
Autosomal recessive juvenile Parkinson disease 2. Also called: PARKINSON DISEASE, JUVENILE, AUTOSOMAL RECESSIVE; PRKN-Related Early-Onset Parkinson Disease; Parkinson disease, juvenile, type 2; Parkinson disease autosomal recessive, early onset; Juvenile parkinsonism; Parkinsonism, early onset, with diurnal fluctuation. Identifiers: Orphanet 2828, MedGen C1868675, MONDO:0010820, OMIM 600116.

Submissions (2):

Labcorp Genetics (formerly Invitae), Labcorp
Classification: Pathogenic. Last evaluated: 2022-08-21. Review status: criteria provided, single submitter. Criteria: Invitae Variant Classification Sherloc (09022015). Collection method: clinical testing. Allele origin: germline.
Comment: This variant is a gross deletion of the genomic region encompassing exon(s) 2-3 of the PRKN gene. This variant would be expected to be in-frame, preserving the integrity of the reading frame. A similar copy number variant has been observed in individuals with early-onset Parkinson's disease (PMID: 10824074, 17914726, 21215313, 23880019). For these reasons, this variant has been classified as Pathogenic.

Labcorp Genetics (formerly Invitae), Labcorp
Classification: Pathogenic for Autosomal recessive juvenile Parkinson disease 2. Last evaluated: 2017-12-22. Review status: flagged submission. Criteria: Invitae Variant Classification Sherloc (09022015). Collection method: clinical testing. Allele origin: germline. Not counted in ClinVar's aggregate classification.
Comment: This variant is an in-frame deletion of the genomic region encompassing exons 2-3 of the PARK2 gene. It preserves the integrity of the reading frame. This variant has been reported in the compound heterozygous state in several individuals affected with early-onset Parkinson's disease (PMID: 21215313, 17914726, 23880019, 10824074). For these reasons, this variant has been classified as Pathogenic.
ClinVar note: Reason: This record appears to be redundant with a more recent record from the same submitter.
ClinVar note: Notes: SCV000645375 appears to be redundant with SCV002240937.

Literature cited by the submitters: PubMed 10824074; PubMed 17914726; PubMed 21215313; PubMed 23880019.

NC_000006.12:g.(?_162262505)_(162443493_?)del

Gene: PRKN (parkin RBR E3 ubiquitin protein ligase; minus strand). Cytogenetic location: 6q26.
Variant type: Deletion.
Identifiers: ClinVar variation 468581 (VCV000468581.5).